The following is an entry in ClinVar:

NM_016938.5(EFEMP2):c.1009C>T (p.Arg337Ter)

Gene: EFEMP2 (EGF-like fibulin extracellular matrix protein 2; minus strand). Cytogenetic location: 11q13.1.
Variant type: single nucleotide variant.
Coding change: c.1009C>T on transcript NM_016938.5 (MANE Select); coding-DNA position 1009, C replaced by T.
Protein change: p.Arg337Ter; replaces arginine 337 with a stop codon.
Molecular consequence: nonsense. On other transcripts: non-coding transcript variant (1).
Genome position (GRCh38, 1-based): chr11:65,868,022, G>A on the plus strand (C>T on the coding strand, the complement: EFEMP2 is on the minus strand). VCF-style: chr11-65868022-G-A. GRCh37 (hg19) VCF-style: chr11-65635493-G-A.
Other names: short protein forms R337*.
Identifiers: ClinVar variation 3075819 (VCV003075819.2), dbSNP rs57685603, ClinGen allele CA224016797.
Genomic context (GRCh38, chr11:65,868,022, plus strand): 5'-GCACGCTCCGCTCCGAGGTGATGGTCATGTAGCGGTGCACAATGGATGAAGGCTGCTCTC[G>A]ACATAGAGGGTTGGAGGCCGGGCAGAGACAGCGGCTAGAGACCCCGAGGTGGGGGACACA-3'

ClinVar aggregate classification (germline): Pathogenic/Likely pathogenic. Review status: criteria provided, multiple submitters, no conflicts (2 of 4 stars). 2 submissions from 2 submitters: Pathogenic (1); Likely pathogenic (1). Last evaluated 2024-08-15.

Conditions:
Cutis laxa. Identifiers: Orphanet 209, MedGen C0010495, MONDO:0016175, HP:0000973.

Allele frequency attached by ClinVar (database versions not stated): gnomAD 0.00001.
gnomAD v4.1: 2 of 1,613,822 alleles (0.00012%); highest among the groups gnomAD compares: African/African-American, 0.0027%; no homozygotes.

Submissions (2):

Dasa
Classification: Pathogenic. Last evaluated: 2024-08-15. Review status: criteria provided, single submitter. Criteria: DASA Assertion Criteria. Collection method: clinical testing. Allele origin: germline.
Comment: NM_016938.5(EFEMP2):c.1009C>T (p.Arg337*) introduces a premature termination codon predicted to result in loss of normal protein function. Loss-of-function is an established mechanism of disease for this gene. The variant is present at low frequency in population datasets. Based on the available data, this variant is classified as pathogenic.

Laboratory for Molecular Medicine, Mass General Brigham Personalized Medicine
Classification: Likely pathogenic for Cutis laxa. Last evaluated: 2020-08-24. Review status: criteria provided, single submitter. Criteria: ACMG Guidelines, 2015. Collection method: clinical testing. Allele origin: germline.
Comment: The p.Arg337X variant in EFEMP2 has not been identified in individuals with cutis laxa, but was identified in 0.006% (1/16204) of African chromosomes by gnomAD. This nonsense variant leads to a premature termination codon at position 337, which is predicted to lead to a truncated or absent protein. Loss-of-function variants in the EFEMP2 gene play a role in autosomal recessive cutis laxa (PMID: 17937443; 20389311; 24613575). In summary, although additional studies are required to fully establish its clinical significance, this variant meets criteria to be classified as likely pathogenic for autosomal recessive cutis laxa. ACMG/AMP Criteria applied: PVS1_Strong, PM2.